The following is an entry in ClinVar:

NM_001283009.2(RTEL1):c.361C>T (p.Gln121Ter)

Genes: RTEL1 (regulator of telomere elongation helicase 1; plus strand), RTEL1-TNFRSF6B (RTEL1-TNFRSF6B readthrough (NMD candidate); plus strand). Cytogenetic location: 20q13.33.
Variant type: single nucleotide variant.
Coding change: c.361C>T on transcript NM_001283009.2 (MANE Select); coding-DNA position 361, C replaced by T.
Protein change: p.Gln121Ter; replaces glutamine 121 with a stop codon.
Molecular consequence: nonsense. On other transcripts: non-coding transcript variant (1), 5 prime UTR variant (1).
Genome position (GRCh38, 1-based): chr20:63,661,909, C>T. VCF-style: chr20-63661909-C-T. GRCh37 (hg19) VCF-style: chr20-62293262-C-T.
Other names: c.-309C>T (NM_001283010.1); c.361C>T, p.Gln121Ter (NM_016434.4, NM_032957.5); short protein forms Q121*.
Identifiers: ClinVar variation 846262 (VCV000846262.12), dbSNP rs2090027846, ClinGen allele CA409668736.
Genomic context (GRCh38, chr20:63,661,909, plus strand): 5'-GCTTGCTACACGGACATCCCAAAGATTATTTACGCCTCCAGGACCCACTCGCAACTCACA[C>T]AGGTCATCAACGAGCTTCGGAACACCTCCTACCGGTGGGTCAGACGAGTTTACACCTGTC-3'

ClinVar aggregate classification (germline): Pathogenic (1 of 4 stars; one submission).

Conditions:
Dyskeratosis congenita, autosomal recessive 5 (DKCB5). Identifiers: MedGen C3554656, MONDO:0014076, OMIM 615190.
Pulmonary fibrosis and/or bone marrow failure, Telomere-related, 3. Also called: PULMONARY FIBROSIS AND/OR BONE MARROW FAILURE SYNDROME, TELOMERE-RELATED, 3. Identifiers: Orphanet 2032, MedGen C4225346, MONDO:0014613, OMIM 616373.

Submission:

Labcorp Genetics (formerly Invitae), Labcorp
Classification: Pathogenic for Dyskeratosis congenita, autosomal recessive 5; Pulmonary fibrosis and/or bone marrow failure, Telomere-related, 3. Last evaluated: 2024-04-01. Review status: criteria provided, single submitter. Criteria: Invitae Variant Classification Sherloc (09022015). Collection method: clinical testing. Allele origin: germline.
Comment: This sequence change creates a premature translational stop signal (p.Gln121*) in the RTEL1 gene. It is expected to result in an absent or disrupted protein product. Loss-of-function variants in RTEL1 are known to be pathogenic (PMID: 23453664, 23959892, 25607374). This variant is not present in population databases (gnomAD no frequency). This variant has not been reported in the literature in individuals affected with RTEL1-related conditions. ClinVar contains an entry for this variant (Variation ID: 846262). Algorithms developed to predict the effect of sequence changes on RNA splicing suggest that this variant may disrupt the consensus splice site. For these reasons, this variant has been classified as Pathogenic.

Literature cited by the submitters: PubMed 23453664; PubMed 23959892; PubMed 25607374.